The following is an entry in ClinVar:

ClinVar aggregate classification (germline): Likely benign (1 of 4 stars; one submission).

gnomAD v4.1: 1,510 of 1,613,282 alleles (0.094%); highest among the groups gnomAD compares: Non-Finnish European, 0.084%; 3 homozygotes.

Submission:

CeGaT Center for Human Genetics Tuebingen
Classification: Likely benign. Last evaluated: 2025-01-01. Review status: criteria provided, single submitter. Criteria: CeGaT Center For Human Genetics Tuebingen Variant Classification Criteria Version 2. Collection method: clinical testing. Allele origin: germline. Affected: yes. Observed: 1 variant allele.
Comment: PKHD1L1: BP4, BS2

NM_177531.6(PKHD1L1):c.1238G>A (p.Arg413His)

Gene: PKHD1L1 (PKHD1 like 1; plus strand). Cytogenetic location: 8q23.1.
Variant type: single nucleotide variant.
Coding change: c.1238G>A on transcript NM_177531.6 (MANE Select); coding-DNA position 1238, G replaced by A.
Protein change: p.Arg413His; replaces arginine 413 with histidine.
Molecular consequence: missense variant.
Genome position (GRCh38, 1-based): chr8:109,400,301, G>A. VCF-style: chr8-109400301-G-A. GRCh37 (hg19) VCF-style: chr8-110412530-G-A.
Other names: short protein forms R413H.
Identifiers: ClinVar variation 3770458 (VCV003770458.13).
Genomic context (GRCh38, chr8:109,400,301, plus strand): 5'-GTGGATTTTTGGTGGCTCCAGATTCTGATGTTTATAGATTCTACATCAAGGGTGATGACC[G>A]TTATGCTATTTATTTTAGCCAGACTGGACTTCCAGAAGATAAGGTAGGGAAGCCTCAGAA-3'
Protein context (NP_803875.2, residues 403-423): VYRFYIKGDD[Arg413His]YAIYFSQTGL